The following is an entry in ClinVar:

NM_000038.6(APC):c.4518G>A (p.Leu1506=)

Gene: APC (APC regulator of Wnt signaling pathway; plus strand). Cytogenetic location: 5q22.2.
Variant type: single nucleotide variant.
Coding change: c.4518G>A on transcript NM_000038.6 (MANE Select); coding-DNA position 4518, G replaced by A.
Protein change: p.Leu1506=; no amino-acid change (leucine 1506 retained).
Molecular consequence: synonymous variant.
Genome position (GRCh38, 1-based): chr5:112,840,112, G>A. VCF-style: chr5-112840112-G-A. GRCh37 (hg19) VCF-style: chr5-112175809-G-A.
Other names: c.4518G>A, p.Leu1506= (NM_001127510.3, NM_001354895.2); c.4464G>A, p.Leu1488= (NM_001127511.3); c.4572G>A, p.Leu1524= (NM_001354896.2); c.4548G>A, p.Leu1516= (NM_001354897.2); c.4443G>A, p.Leu1481= (NM_001354898.2); c.4434G>A, p.Leu1478= (NM_001354899.2); c.4395G>A, p.Leu1465= (NM_001354900.2); c.4341G>A, p.Leu1447= (NM_001354901.2); and 5 more.
Identifiers: ClinVar variation 742685 (VCV000742685.13), dbSNP rs1554085932, ClinGen allele CA446206561.
Genomic context (GRCh38, chr5:112,840,112, plus strand): 5'-TACTTTATTACATTTTGCCACGGAAAGTACTCCAGATGGATTTTCTTGTTCATCCAGCCT[G>A]AGTGCTCTGAGCCTCGATGAGCCATTTATACAGAAAGATGTGGAATTAAGAATAATGCCT-3'
Protein context (NP_000029.2, residues 1496-1516): TPDGFSCSSS[Leu1506=]SALSLDEPFI

ClinVar aggregate classification (germline): Benign/Likely benign. Review status: criteria provided, multiple submitters, no conflicts (2 of 4 stars). 3 submissions from 3 submitters: Benign (1); Likely benign (2). Last evaluated 2025-08-11.

Conditions:
Hereditary cancer-predisposing syndrome. Also called: Neoplastic Syndromes, Hereditary; Hereditary Cancer Syndrome; Tumor predisposition; Hereditary neoplastic syndrome. Identifiers: Orphanet 140162, MedGen C0027672, MeSH D009386, MONDO:0015356.
Familial adenomatous polyposis 1 (FAP1). Also called: FAMILIAL ADENOMATOUS POLYPOSIS 1, ATTENUATED; POLYPOSIS, ADENOMATOUS INTESTINAL. Identifiers: MedGen C2713442, MONDO:0021056, OMIM 175100. Disease mechanism: loss of function.

Allele frequency attached by ClinVar (database versions not stated): gnomAD 0.00001; TOPMed 0.00001.
gnomAD v4.1: 3 of 1,614,022 alleles (0.00019%); highest among the groups gnomAD compares: East Asian, 0.0022%; no homozygotes.

Submissions (3):

Labcorp Genetics (formerly Invitae), Labcorp
Classification: Likely benign for Familial adenomatous polyposis 1. Last evaluated: 2025-08-11. Review status: criteria provided, single submitter. Criteria: Invitae Variant Classification Sherloc (09022015). Collection method: clinical testing. Allele origin: germline.

Myriad Genetics, Inc.
Classification: Benign for Familial adenomatous polyposis 1. Last evaluated: 2024-03-27. Review status: criteria provided, single submitter. Criteria: Myriad Autosomal Dominant, Autosomal Recessive and X-Linked Classification Criteria (2023). Collection method: clinical testing. Allele origin: unknown.
Comment: This variant is considered benign. This variant is a silent/synonymous amino acid change and it is not expected to impact splicing.

Ambry Genetics
Classification: Likely benign for Hereditary cancer-predisposing syndrome. Last evaluated: 2024-02-16. Review status: criteria provided, single submitter. Criteria: Ambry Variant Classification Scheme 2023. Collection method: clinical testing. Allele origin: germline.